The following is an entry in ClinVar:

ClinVar aggregate classification (germline): Uncertain significance (1 of 4 stars; one submission).

Conditions:
Marfan syndrome (MFS). Also called: MARFAN SYNDROME, TYPE I; Marfan syndrome type 1; Marfan's syndrome; FBN1-Related Marfan Syndrome; Marfan syndrome, classic. Identifiers: Orphanet 284963, Orphanet 558, MedGen C0024796, MONDO:0007947, OMIM 154700.

Submission:

All of Us Research Program, National Institutes of Health
Classification: Uncertain significance for Marfan syndrome. Last evaluated: 2024-02-22. Review status: criteria provided, single submitter. Criteria: ACMG Guidelines, 2015. Collection method: clinical testing. Allele origin: germline. Inheritance: Autosomal dominant inheritance. Observed: 1 variant allele, 1 heterozygote.
Comment: This missense variant replaces asparagine with lysine at codon 2773 of the FBN1 protein. Computational prediction suggests that this variant may not impact protein structure and function (internally defined REVEL score threshold <= 0.5, PMID: 27666373). To our knowledge, functional studies have not been reported for this variant. This variant has not been reported in individuals affected with FBN1-related disorders in the literature. This variant has not been identified in the general population by the Genome Aggregation Database (gnomAD). The available evidence is insufficient to determine the role of this variant in disease conclusively. Therefore, this variant is classified as a Variant of Uncertain Significance.

This study involves interpretation of variants in research participants for the purpose of population health screening. Participant phenotype was not available at the time of variant classification. Additional details can be found in publication PMID: 35346344, PMCID: PMC8962531

NM_000138.5(FBN1):c.8319C>A (p.Asn2773Lys)

Gene: FBN1 (fibrillin 1; minus strand). Cytogenetic location: 15q21.1.
Variant type: single nucleotide variant.
Coding change: c.8319C>A on transcript NM_000138.5 (MANE Select); coding-DNA position 8319, C replaced by A.
Protein change: p.Asn2773Lys; replaces asparagine 2773 with lysine.
Molecular consequence: missense variant.
Genome position (GRCh38, 1-based): chr15:48,411,287, G>T on the plus strand (C>A on the coding strand, the complement: FBN1 is on the minus strand). VCF-style: chr15-48411287-G-T. GRCh37 (hg19) VCF-style: chr15-48703484-G-T.
Other names: c.8319C>A, p.Asn2773Lys (NM_001406716.1); short protein forms N2773K.
Identifiers: ClinVar variation 3386744 (VCV003386744.1).